The following is an entry in ClinVar:

ClinVar aggregate classification (germline): Pathogenic (1 of 4 stars; one submission).

Conditions:
Branchiootorenal syndrome 1. Also called: Branchio-Oto-Renal Syndrome 1. Identifiers: Orphanet 107, MedGen C4551702, MONDO:0007236, OMIM 113650.

Submission:

Institute of Rare Diseases, West China Hospital, Sichuan University
Classification: Pathogenic for Branchiootorenal syndrome 1. Last evaluated: 2025-01-09. Review status: criteria provided, single submitter. Criteria: ClinGen HL ACMG Specifications v1. Collection method: research. Allele origin: germline. Affected: yes.
Comment: PVS1;PP1;PM2_Supporting

NM_000503.6(EYA1):c.972del (p.Phe325fs)

Gene: EYA1 (EYA transcriptional coactivator and phosphatase 1; minus strand). Cytogenetic location: 8q13.3.
Variant type: Deletion.
Coding change: c.972del on transcript NM_000503.6 (MANE Select); coding-DNA position 972, one base deleted (G; older notation c.972delG).
Protein change: p.Phe325fs; shifts the reading frame from phenylalanine 325.
Molecular consequence: frameshift variant.
Genome position (GRCh38, 1-based): chr8:71,269,818, C deleted on the plus strand (G on the coding strand, the reverse complement: EYA1 is on the minus strand). VCF-style (leftmost placement, unchanged base first): chr8-71269817-AC-A. GRCh37 (hg19) VCF-style: chr8-72182052-AC-A.
Other names: c.954del, p.Phe319fs (NM_001288574.2); c.606del, p.Phe203fs (NM_001288575.2); c.1059del, p.Phe354fs (NM_001370333.1); c.972del, p.Phe325fs (NM_001370334.1, NM_001370335.1, NM_172058.4); c.1041del, p.Phe348fs (NM_001370336.1); c.873del, p.Phe292fs (NM_001411797.1, NM_172060.4); c.1044del, p.Phe349fs (NM_172059.5); short protein forms F203fs, F292fs, F319fs, F325fs, F348fs, F349fs, F354fs.
Identifiers: ClinVar variation 3601115 (VCV003601115.1).
Genomic context (GRCh38, chr8:71,269,817, plus strand): 5'-CGTAGGACCCAGTAAGCAAGGAGTGGAAAACAATGATTGTCTCATCCAAGTCCCAGATGA[AC>A]ACTCTCTACAAAGGAAGAACCAAATCAATGTGTCTTTGCCTTGGCTGAGAAAGCTGTTAT-3'